The following is an entry in ClinVar:

NM_000384.3(APOB):c.12025G>A (p.Val4009Met)

Gene: APOB (apolipoprotein B; minus strand). Cytogenetic location: 2p24.1.
Variant type: single nucleotide variant.
Coding change: c.12025G>A on transcript NM_000384.3 (MANE Select); coding-DNA position 12025, G replaced by A.
Protein change: p.Val4009Met; replaces valine 4009 with methionine.
Molecular consequence: missense variant.
Genome position (GRCh38, 1-based): chr2:21,004,331, C>T on the plus strand (G>A on the coding strand, the complement: APOB is on the minus strand). VCF-style: chr2-21004331-C-T. GRCh37 (hg19) VCF-style: chr2-21227203-C-T.
Other names: short protein forms V4009M.
Identifiers: ClinVar variation 1063988 (VCV001063988.11), dbSNP rs140424976, ClinGen allele CA048687.
Genomic context (GRCh38, chr2:21,004,331, plus strand): 5'-GAGGGCTGTAGTAGAAGTTCCATTTAGAAAAGTCGTCATCTTCATCCATATCCATGCCCA[C>T]GGTGCCTACGGCTGGGGAGGCTGCTGAGGTGGAGATGCCTTTCTTGTCTTTCTGGTAGCG-3'
Protein context (NP_000375.3, residues 3999-4019): TSAASPAVGT[Val4009Met]GMDMDEDDDF

ClinVar aggregate classification (germline): Conflicting classifications of pathogenicity. Review status: criteria provided, conflicting classifications (1 of 4 stars). 4 submissions from 4 submitters: Uncertain significance (2); Benign (1); Likely benign (1). Last evaluated 2025-09-28.

Conditions:
Cardiovascular phenotype. Identifiers: MedGen CN230736.
Familial hypobetalipoproteinemia 1. Also called: Hypobetalipoproteinemia, normotriglyceridemic; Acanthocytosis with hypobetalipoproteinemia; APOB-Related Familial Hypobetalipoproteinemia. Identifiers: MedGen C4551990, MONDO:0014252, OMIM 615558.
Hypercholesterolemia, autosomal dominant, type B (FHCL2). Also called: Familial hypercholesterolemia 2; APOB-Related Familial Hypercholesterolemia, Autosomal Dominant; Familial Hypercholesterolemia Type B; APOLIPOPROTEIN B-100, FAMILIAL DEFECTIVE; APOLIPOPROTEIN B-100, FAMILIAL LIGAND-DEFECTIVE; HYPERCHOLESTEROLEMIA, FAMILIAL, DUE TO LIGAND-DEFECTIVE APOLIPOPROTEIN B. Identifiers: MedGen C1704417, MONDO:0007751, OMIM 144010.

Allele frequency attached by ClinVar (database versions not stated): gnomAD 0.00001 and 0.00002; ExAC 0.00002; gnomAD exomes 0.00003 and 0.00004; TOPMed 0.00005; ESP Exome Variant Server 0.00023.
gnomAD v4.1: 55 of 1,613,838 alleles (0.0034%); highest among the groups gnomAD compares: Non-Finnish European, 0.0042%; no homozygotes.

Submissions (4):

Labcorp Genetics (formerly Invitae), Labcorp
Classification: Benign for Familial hypobetalipoproteinemia 1; Hypercholesterolemia, autosomal dominant, type B. Last evaluated: 2025-09-28. Review status: criteria provided, single submitter. Criteria: Invitae Variant Classification Sherloc (09022015). Collection method: clinical testing. Allele origin: germline.

GeneDx
Classification: Uncertain significance. Last evaluated: 2024-04-03. Review status: criteria provided, single submitter. Criteria: GeneDx Variant Classification Process June 2021. Collection method: clinical testing. Allele origin: germline. Affected: yes.
Comment: Has not been previously published as pathogenic or benign to our knowledge; In silico analysis supports that this missense variant does not alter protein structure/function; Also known as p.(V4036M)

Fulgent Genetics
Classification: Uncertain significance for Hypercholesterolemia, autosomal dominant, type B; Familial hypobetalipoproteinemia 1. Last evaluated: 2021-10-11. Review status: criteria provided, single submitter. Criteria: ACMG Guidelines, 2015. Collection method: clinical testing. Allele origin: unknown.

Ambry Genetics
Classification: Likely benign for Cardiovascular phenotype. Last evaluated: 2021-09-21. Review status: criteria provided, single submitter. Criteria: Ambry Variant Classification Scheme 2023. Collection method: clinical testing. Allele origin: germline.